The following is an entry in ClinVar:

ClinVar aggregate classification (germline): Uncertain significance (1 of 4 stars; one submission).

Submission:

Labcorp Genetics (formerly Invitae), Labcorp
Classification: Uncertain significance. Last evaluated: 2024-04-29. Review status: criteria provided, single submitter. Criteria: Invitae Variant Classification Sherloc (09022015). Collection method: clinical testing. Allele origin: germline.
Comment: This sequence change replaces serine, which is neutral and polar, with lysine, which is basic and polar, at codon 224 of the HOXB13 protein (p.Ser224Lys). Information on the frequency of this variant in the gnomAD database is not available, as this variant may be reported differently in the database. This variant has not been reported in the literature in individuals affected with HOXB13-related conditions. An algorithm developed to predict the effect of missense changes on protein structure and function (PolyPhen-2) suggests that this variant is likely to be disruptive. In summary, the available evidence is currently insufficient to determine the role of this variant in disease. Therefore, it has been classified as a Variant of Uncertain Significance.

NM_006361.6(HOXB13):c.671_672delinsAA (p.Ser224Lys)

Gene: HOXB13 (homeobox B13; minus strand). Cytogenetic location: 17q21.32.
Variant type: Indel.
Coding change: c.671_672delinsAA on transcript NM_006361.6 (MANE Select); coding-DNA positions 671 to 672, GC replaced by AA.
Protein change: p.Ser224Lys; replaces serine 224 with lysine.
Molecular consequence: missense variant.
Genome position (GRCh38, 1-based): chr17:48,726,973-48,726,974, GC replaced by TT on the plus strand (GC replaced by AA on the coding strand, the reverse complement: HOXB13 is on the minus strand). VCF-style: chr17-48726973-GC-TT. GRCh37 (hg19) VCF-style: chr17-46804335-GC-TT.
Other names: short protein forms S224K.
Identifiers: ClinVar variation 2991057 (VCV002991057.3), dbSNP rs2509513297, ClinGen allele CA2740093781.